The following is an entry in ClinVar:

ClinVar aggregate classification (germline): Uncertain significance (1 of 4 stars; one submission).

Conditions:
Granulomatous disease, chronic, autosomal recessive, cytochrome b-negative. Also called: GRANULOMATOUS DISEASE, CHRONIC, AUTOSOMAL RECESSIVE, 4; Chronic granulomatous disease, autosomal, due to deficiency of CYBA; CGD DUE TO DEFICIENCY OF THE ALPHA SUBUNIT OF CYTOCHROME b; CGD, AUTOSOMAL RECESSIVE CYTOCHROME b-NEGATIVE; CYBA DEFICIENCY. Identifiers: Orphanet 379, MedGen C1856255, MONDO:0009308, OMIM 233690.

Allele frequency attached by ClinVar (database versions not stated): TOPMed below 0.00001.
gnomAD v4.1: 2 of 1,610,892 alleles (0.00012%); highest among the groups gnomAD compares: East Asian, 0.0022%; no homozygotes.

Submission:

Labcorp Genetics (formerly Invitae), Labcorp
Classification: Uncertain significance for Granulomatous disease, chronic, autosomal recessive, cytochrome b-negative. Last evaluated: 2021-08-27. Review status: criteria provided, single submitter. Criteria: Invitae Variant Classification Sherloc (09022015). Collection method: clinical testing. Allele origin: germline.
Comment: This sequence change replaces isoleucine with methionine at codon 20 of the CYBA protein (p.Ile20Met). The isoleucine residue is moderately conserved and there is a small physicochemical difference between isoleucine and methionine. This variant is not present in population databases (ExAC no frequency). This variant has not been reported in the literature in individuals affected with CYBA-related conditions. Algorithms developed to predict the effect of missense changes on protein structure and function are either unavailable or do not agree on the potential impact of this missense change (SIFT: "Tolerated"; PolyPhen-2: "Possibly Damaging"; Align-GVGD: "Class C0"). In summary, the available evidence is currently insufficient to determine the role of this variant in disease. Therefore, it has been classified as a Variant of Uncertain Significance.

NM_000101.4(CYBA):c.60C>G (p.Ile20Met)

Gene: CYBA (cytochrome b-245 alpha chain; minus strand). Cytogenetic location: 16q24.2.
Variant type: single nucleotide variant.
Coding change: c.60C>G on transcript NM_000101.4 (MANE Select); coding-DNA position 60, C replaced by G.
Protein change: p.Ile20Met; replaces isoleucine 20 with methionine.
Molecular consequence: missense variant.
Genome position (GRCh38, 1-based): chr16:88,648,113, G>C on the plus strand (C>G on the coding strand, the complement: CYBA is on the minus strand). VCF-style: chr16-88648113-G-C. GRCh37 (hg19) VCF-style: chr16-88714521-G-C.
Other names: short protein forms I20M.
Identifiers: ClinVar variation 1389777 (VCV001389777.5), dbSNP rs781702057, ClinGen allele CA397066039.